The following is an entry in ClinVar:

ClinVar aggregate classification (germline): Pathogenic/Likely pathogenic. Review status: criteria provided, multiple submitters, no conflicts (2 of 4 stars). 2 submissions from 2 submitters: Pathogenic (1); Likely pathogenic (1). Last evaluated 2022-05-30.

Conditions:
Charlevoix-Saguenay spastic ataxia (SACS). Also called: AUTOSOMAL RECESSIVE SPASTIC ATAXIA OF CHARLEVOIX-SAGUENAY; SPASTIC ATAXIA 6, AUTOSOMAL RECESSIVE; Spastic ataxia of Charlevoix-Saguenay. Identifiers: Orphanet 98, MedGen C1849140, MONDO:0010041, OMIM 270550.

Submissions (2):

Baylor Genetics
Classification: Likely pathogenic for Charlevoix-Saguenay spastic ataxia. Last evaluated: 2022-05-30. Review status: criteria provided, single submitter. Criteria: ACMG Guidelines, 2015. Collection method: clinical testing. Allele origin: unknown.

GeneDx
Classification: Pathogenic. Last evaluated: 2018-06-13. Review status: criteria provided, single submitter. Criteria: GeneDx Variant Classification (06012015). Collection method: clinical testing. Allele origin: germline. Affected: yes.
Comment: The c.8340delT variant in the SACS gene has not been reported previously as a pathogenic variant nor as a benign variant, to our knowledge. The c.8340delT variant causes a frameshift starting with codon Histidine 2781, changes this amino acid to a Methionine residue, and creates a premature Stop codon at position 4 of the new reading frame, denoted p.H2781MfsX4. This variant is predicted to cause loss of normal protein function through protein truncation. The c.8340delT variant is not observed in large population cohorts (Lek et al., 2016).

NM_014363.6(SACS):c.8340del (p.His2781fs)

Gene: SACS (sacsin molecular chaperone; minus strand). Cytogenetic location: 13q12.12.
Variant type: Deletion.
Coding change: c.8340del on transcript NM_014363.6 (MANE Select); coding-DNA position 8340, one base deleted (T; older notation c.8340delT).
Protein change: p.His2781fs; shifts the reading frame from histidine 2781.
Molecular consequence: frameshift variant.
Genome position (GRCh38, 1-based): chr13:23,335,536, A deleted on the plus strand (T on the coding strand, the reverse complement: SACS is on the minus strand); the first of 3 consecutive A bases (chr13:23,335,536-23,335,538); deleting any one gives the same sequence. VCF-style (leftmost placement, unchanged base first): chr13-23335535-GA-G. GRCh37 (hg19) VCF-style: chr13-23909674-GA-G.
Other names: c.7899del, p.His2634fs (NM_001278055.2); short protein forms H2634fs, H2781fs.
Identifiers: ClinVar variation 817704 (VCV000817704.2), dbSNP rs753958013, ClinGen allele CA6910779.
Genomic context (GRCh38, chr13:23,335,535, plus strand): 5'-GTTGAACTGGTATGTCTTTGAGCTGCCTCTTTTTAGTAACACTATCAATTACAGATGCAT[GA>G]AATTGTTTCCTTTTCAATCTGTCTCCATCTGTGATTTTGCCCTTTACTGAATACAGCACA-3'